The following is an entry in ClinVar:

NM_017617.5(NOTCH1):c.3974C>A (p.Ala1325Asp)

Gene: NOTCH1 (notch receptor 1; minus strand). Cytogenetic location: 9q34.3.
Variant type: single nucleotide variant.
Coding change: c.3974C>A on transcript NM_017617.5 (MANE Select); coding-DNA position 3974, C replaced by A.
Protein change: p.Ala1325Asp; replaces alanine 1325 with aspartic acid.
Molecular consequence: missense variant.
Genome position (GRCh38, 1-based): chr9:136,506,567, G>T on the plus strand (C>A on the coding strand, the complement: NOTCH1 is on the minus strand). VCF-style: chr9-136506567-G-T. GRCh37 (hg19) VCF-style: chr9-139401019-G-T.
Other names: c.3974C>A, p.Ala1325Asp (LRG_1122t1); short protein forms A1325D.
Identifiers: ClinVar variation 409072 (VCV000409072.13), dbSNP rs896438598, ClinGen allele CA16612680.

ClinVar aggregate classification (germline): Uncertain significance. Review status: criteria provided, multiple submitters, no conflicts (2 of 4 stars). 5 submissions from 4 submitters: Uncertain significance (5). Last evaluated 2025-08-28.

Conditions:
Adams-Oliver syndrome 5 (AOS5). Identifiers: Orphanet 974, MedGen C4014970, MONDO:0014459, OMIM 616028.
Familial thoracic aortic aneurysm and aortic dissection (TAAD). Also called: Thoracic aortic aneurysms and dissections. Identifiers: Orphanet 91387, MedGen C4707243, MONDO:0019625.
Aortic valve disease 1 (AOVD1). Identifiers: MedGen C3887892, MONDO:0024523, OMIM 109730.

Submissions (5):

Ambry Genetics
Classification: Uncertain significance for Familial thoracic aortic aneurysm and aortic dissection. Last evaluated: 2025-08-28. Review status: criteria provided, single submitter. Criteria: Ambry Variant Classification Scheme 2023. Collection method: clinical testing. Allele origin: germline.
Comment: The p.A1325D variant (also known as c.3974C>A), located in coding exon 24 of the NOTCH1 gene, results from a C to A substitution at nucleotide position 3974. The alanine at codon 1325 is replaced by aspartic acid, an amino acid with dissimilar properties. This amino acid position is conserved. In addition, the in silico prediction for this alteration is inconclusive. Based on the available evidence, the clinical significance of this variant remains unclear.

Genome-Nilou Lab
Classification: Uncertain significance for Adams-Oliver syndrome 5. Last evaluated: 2022-03-15. Review status: criteria provided, single submitter. Criteria: ACMG Guidelines, 2015. Collection method: clinical testing. Allele origin: germline. Affected: no.

Genome-Nilou Lab
Classification: Uncertain significance for Aortic valve disease 1. Last evaluated: 2022-03-15. Review status: criteria provided, single submitter. Criteria: ACMG Guidelines, 2015. Collection method: clinical testing. Allele origin: germline. Affected: no.

GeneDx
Classification: Uncertain significance. Last evaluated: 2021-03-29. Review status: criteria provided, single submitter. Criteria: GeneDx Variant Classification Process June 2021. Collection method: clinical testing. Allele origin: germline. Affected: yes.
Comment: Has not been previously published as pathogenic or benign to our knowledge; Not observed in large population cohorts (Lek et al., 2016); In silico analysis supports that this missense variant has a deleterious effect on protein structure/function; Reported in ClinVar as a variant of uncertain significance (ClinVar Variant ID# 409072; Landrum et al., 2016)

Labcorp Genetics (formerly Invitae), Labcorp
Classification: Uncertain significance for Adams-Oliver syndrome 5. Last evaluated: 2017-03-21. Review status: criteria provided, single submitter. Criteria: Invitae Variant Classification Sherloc (09022015). Collection method: clinical testing. Allele origin: germline.
Comment: In summary, this variant is a novel missense change with uncertain impact on protein function. It has been classified as a Variant of Uncertain Significance. Algorithms developed to predict the effect of missense changes on protein structure and function (SIFT, PolyPhen-2, Align-GVGD) all suggest that this variant is likely to be disruptive, but these predictions have not been confirmed by published functional studies. This variant is not present in population databases (ExAC no frequency) and has not been reported in the literature in individuals with a NOTCH1-related disease. This sequence change replaces alanine with aspartic acid at codon 1325 of the NOTCH1 protein (p.Ala1325Asp). The alanine residue is highly conserved and there is a moderate physicochemical difference between alanine and aspartic acid.